The following is an entry in ClinVar:

ClinVar aggregate classification (germline): Uncertain significance (1 of 4 stars; one submission).

Conditions:
Distal myopathy with posterior leg and anterior hand involvement. Also called: WILLIAMS DISTAL MYOPATHY. Identifiers: Orphanet 63273, MedGen C3279722, MONDO:0013550, OMIM 614065.
Myofibrillar myopathy 5. Also called: FILAMINOPATHY, AUTOSOMAL DOMINANT; Filaminopathy (type). Identifiers: Orphanet 171445, MedGen C1836050, MONDO:0012289, OMIM 609524.
Hypertrophic cardiomyopathy 26. Also called: Cardiomyopathy, familial hypertrophic, 26. Identifiers: Orphanet 75249, MedGen C4310749, MONDO:0014883, OMIM 617047.

Submission:

Labcorp Genetics (formerly Invitae), Labcorp
Classification: Uncertain significance for Distal myopathy with posterior leg and anterior hand involvement; Myofibrillar myopathy 5; Hypertrophic cardiomyopathy 26. Last evaluated: 2024-07-04. Review status: criteria provided, single submitter. Criteria: Invitae Variant Classification Sherloc (09022015). Collection method: clinical testing. Allele origin: germline.
Comment: This sequence change replaces asparagine, which is neutral and polar, with isoleucine, which is neutral and non-polar, at codon 212 of the FLNC protein (p.Asn212Ile). This variant is not present in population databases (gnomAD no frequency). This variant has not been reported in the literature in individuals affected with FLNC-related conditions. ClinVar contains an entry for this variant (Variation ID: 641504). Advanced modeling of protein sequence and biophysical properties (such as structural, functional, and spatial information, amino acid conservation, physicochemical variation, residue mobility, and thermodynamic stability) has been performed at Invitae for this missense variant, however the output from this modeling did not meet the statistical confidence thresholds required to predict the impact of this variant on FLNC protein function. In summary, the available evidence is currently insufficient to determine the role of this variant in disease. Therefore, it has been classified as a Variant of Uncertain Significance.

NM_001458.5(FLNC):c.635A>T (p.Asn212Ile)

Gene: FLNC (filamin C; plus strand). Cytogenetic location: 7q32.1.
Variant type: single nucleotide variant.
Coding change: c.635A>T on transcript NM_001458.5 (MANE Select); coding-DNA position 635, A replaced by T.
Protein change: p.Asn212Ile; replaces asparagine 212 with isoleucine.
Molecular consequence: missense variant.
Genome position (GRCh38, 1-based): chr7:128,837,193, A>T. VCF-style: chr7-128837193-A-T. GRCh37 (hg19) VCF-style: chr7-128477247-A-T.
Other names: c.635A>T, p.Asn212Ile (NM_001127487.2); short protein forms N212I.
Identifiers: ClinVar variation 641504 (VCV000641504.11), dbSNP rs756723697, ClinGen allele CA369221107.
Genomic context (GRCh38, chr7:128,837,193, plus strand): 5'-CATCGTCTCCCTCCATCACCTCTCCAGGTCTCTGCCCCGACTGGGAGGCCTGGGACCCCA[A>T]CCAGCCCGTGGAGAACGCCCGGGAGGCCATGCAGCAGGCCGACGACTGGCTTGGGGTGCC-3'
Protein context (NP_001449.3, residues 202-222): LCPDWEAWDP[Asn212Ile]QPVENAREAM